The following is an entry in ClinVar:

NM_001367721.1(CASK):c.1807-17T>C

Gene: CASK (calcium/calmodulin dependent serine protein kinase; minus strand). Cytogenetic location: Xp11.4.
Variant type: single nucleotide variant.
Coding change: c.1807-17T>C on transcript NM_001367721.1 (MANE Select); 17 bases into the intron before coding-DNA position 1807, T replaced by C.
Molecular consequence: intron variant.
Genome position (GRCh38, 1-based): chrX:41,555,652, A>G on the plus strand (T>C on the coding strand, the complement: CASK is on the minus strand). VCF-style: chrX-41555652-A-G. GRCh37 (hg19) VCF-style: chrX-41414905-A-G.
Other names: c.1720-17T>C (NM_001126055.3); c.1789-17T>C (NM_001410745.1); c.1738-17T>C (NM_001126054.3); c.1807-17T>C (NM_003688.4).
Identifiers: ClinVar variation 3724375 (VCV003724375.2).

ClinVar aggregate classification (germline): Uncertain significance (1 of 4 stars; one submission).

Conditions:
Intellectual disability, CASK-related, X-linked. Identifiers: MedGen CN043158.

Submission:

Labcorp Genetics (formerly Invitae), Labcorp
Classification: Uncertain significance for Intellectual disability, CASK-related, X-linked. Last evaluated: 2024-10-31. Review status: criteria provided, single submitter. Criteria: Invitae Variant Classification Sherloc (09022015). Collection method: clinical testing. Allele origin: germline.
Comment: This sequence change falls in intron 19 of the CASK gene. It does not directly change the encoded amino acid sequence of the CASK protein. This variant is not present in population databases (gnomAD no frequency). This variant has not been reported in the literature in individuals affected with CASK-related conditions. Algorithms developed to predict the effect of sequence changes on RNA splicing suggest that this variant may disrupt the consensus splice site. In summary, the available evidence is currently insufficient to determine the role of this variant in disease. Therefore, it has been classified as a Variant of Uncertain Significance.